The following is an entry in ClinVar:

NC_000011.10:g.108272532del

Gene: ATM (ATM serine/threonine kinase; plus strand). Cytogenetic location: 11q22.3.
Variant type: Deletion.
Genome position: GRCh38 VCF-style: chr11-108272530-AG-A. GRCh37 (hg19) VCF-style: chr11-108143257-AG-A.
Identifiers: ClinVar variation 1398486 (VCV001398486.6), dbSNP rs2135564943, ClinGen allele CA2573146613.

ClinVar aggregate classification (germline): Pathogenic (1 of 4 stars; one submission).

Conditions:
Ataxia-telangiectasia syndrome (AT). Also called: Ataxia-telangiectasia, complementation group D; AT, COMPLEMENTATION GROUP C; Ataxia-telangiectasia; Ataxia telangiectasia (A-T); Ataxia-telangiectasia, complementation group E; Cerebello-oculocutaneous telangiectasia. Identifiers: Orphanet 100, MedGen C0004135, MONDO:0008840, OMIM 208900.

Submission:

Labcorp Genetics (formerly Invitae), Labcorp
Classification: Pathogenic for Ataxia-telangiectasia syndrome. Last evaluated: 2021-05-11. Review status: criteria provided, single submitter. Criteria: Invitae Variant Classification Sherloc (09022015). Collection method: clinical testing. Allele origin: germline.
Comment: This sequence change creates a premature translational stop signal (p.Trp1026Cysfs*3) in the ATM gene. It is expected to result in an absent or disrupted protein product. Loss-of-function variants in ATM are known to be pathogenic (PMID: 23807571, 25614872). For these reasons, this variant has been classified as Pathogenic. Algorithms developed to predict the effect of sequence changes on RNA splicing suggest that this variant may disrupt the consensus splice site, but this prediction has not been confirmed by published transcriptional studies. This variant has not been reported in the literature in individuals with ATM-related conditions. This variant is not present in population databases (ExAC no frequency).

Literature cited by the submitters: PubMed 23807571; PubMed 25614872.